The following is an entry in ClinVar:

NM_000268.4(NF2):c.1702_1703del (p.Arg568fs)

Gene: NF2 (NF2, moesin-ezrin-radixin like (MERLIN) tumor suppressor; plus strand). Cytogenetic location: 22q12.2.
Variant type: Deletion.
Coding change: c.1702_1703del on transcript NM_000268.4 (MANE Select); coding-DNA positions 1702 to 1703, 2 bases deleted (AG; older notation c.1702_1703delAG).
Protein change: p.Arg568fs; shifts the reading frame from arginine 568.
Molecular consequence: frameshift variant. On other transcripts: non-coding transcript variant (1), intron variant (1).
Genome position (GRCh38, 1-based): chr22:29,681,566-29,681,567, AG deleted. VCF-style (leftmost placement, unchanged base first): chr22-29681565-CAG-C. GRCh37 (hg19) VCF-style: chr22-30077554-CAG-C.
Other names: c.1702_1703delAG (NM_000268.3); c.1702_1703del, p.Arg568fs (NM_016418.5, NM_181825.3, NM_181832.3); c.1576_1577del, p.Arg526fs (NM_181828.3); c.1579_1580del, p.Arg527fs (NM_181829.3); c.1453_1454del, p.Arg485fs (NM_181830.3, NM_181831.3); c.448-13186_448-13185del (NM_181833.3); short protein forms R527fs, R568fs, R485fs, R526fs.
Identifiers: ClinVar variation 652858 (VCV000652858.16), dbSNP rs755032702, ClinGen allele CA10175569.

ClinVar aggregate classification (germline): Uncertain significance. Review status: criteria provided, multiple submitters, no conflicts (2 of 4 stars). 4 submissions from 4 submitters: Uncertain significance (4). Last evaluated 2025-08-12.

Conditions:
Neurofibromatosis, type 2 (SWNV). Also called: BILATERAL ACOUSTIC NEUROFIBROMATOSIS; SCHWANNOMATOSIS, VESTIBULAR; NF2-Related Schwannomatosis. Identifiers: Orphanet 637, MedGen C0027832, MONDO:0007039, OMIM 101000. Disease mechanism: loss of function.
Hereditary cancer-predisposing syndrome. Also called: Tumor predisposition; Neoplastic Syndromes, Hereditary; Hereditary Cancer Syndrome; Hereditary neoplastic syndrome. Identifiers: Orphanet 140162, MedGen C0027672, MeSH D009386, MONDO:0015356.

Allele frequency attached by ClinVar (database versions not stated): gnomAD exomes below 0.00001; TOPMed below 0.00001; ExAC 0.00001; gnomAD 0.00001.

Submissions (4):

Color Diagnostics, LLC DBA Color Health
Classification: Uncertain significance for Neurofibromatosis, type 2. Last evaluated: 2025-08-12. Review status: criteria provided, single submitter. Criteria: ACMG Guidelines, 2015. Collection method: clinical testing. Allele origin: germline.
Comment: This variant deletes 2 nucleotides in exon 15 of the NF2 gene, creating a frameshift and a premature translation stop signal within the last 50-nucleotide of the penultimate exon. This variant is not expected to trigger nonsense-mediated decay, and it is predicted to encode a C-terminal truncated variant protein p.Arg568Glyfs*10 compared to the full-length NF2 protein (595 a.a.). This variant has been reported in an individual affected with thyroid carcinoma (PMID: 29625052). This variant has been identified in 2/282460 chromosomes in the general population by the Genome Aggregation Database (gnomAD). The available evidence is insufficient to determine the role of this variant in disease conclusively. Therefore, this variant is classified as a Variant of Uncertain Significance.

Labcorp Genetics (formerly Invitae), Labcorp
Classification: Uncertain significance for Neurofibromatosis, type 2. Last evaluated: 2024-11-18. Review status: criteria provided, single submitter. Criteria: Invitae Variant Classification Sherloc (09022015). Collection method: clinical testing. Allele origin: germline.
Comment: This sequence change creates a premature translational stop signal (p.Arg568Glyfs*10) in the NF2 gene. While this is not anticipated to result in nonsense mediated decay, it is expected to disrupt the last 28 amino acid(s) of the NF2 protein. This variant is present in population databases (rs755032702, gnomAD 0.005%). This premature translational stop signal has been observed in individual(s) with medulloblastoma (PMID: 29489754). ClinVar contains an entry for this variant (Variation ID: 652858). Experimental studies and prediction algorithms are not available or were not evaluated, and the functional significance of this variant is currently unknown. In summary, the available evidence is currently insufficient to determine the role of this variant in disease. Therefore, it has been classified as a Variant of Uncertain Significance.

Ambry Genetics
Classification: Uncertain significance for Hereditary cancer-predisposing syndrome. Last evaluated: 2024-11-11. Review status: criteria provided, single submitter. Criteria: Ambry Variant Classification Scheme 2023. Collection method: clinical testing. Allele origin: germline.
Comment: The c.1702_1703delAG variant, located in coding exon 15 of the NF2 gene, results from a deletion of two nucleotides at nucleotide positions 1702 to 1703, causing a translational frameshift with a predicted alternate stop codon (p.R568Gfs*10). This alteration occurs at the 3' terminus of theNF2 gene, is not expected to trigger nonsense-mediated mRNAdecay, and only impacts the last 28 amino acids of the protein. The exact functional effect of this alteration is unknown. One study reported this alteration in a pediatric patient diagnosed with a CNS tumor (Gr&ouml;bner SN et al. Nature. 2018 03;555:321-327). This alteration was also detected in conjunction with an MLH1 pathogenic alteration in a patient undergoing paired somatic and germline testing for hereditary cancer risk via a multigene panel (Cheng DT et al. BMC Med Genomics. 2017 05;10:33). Since supporting evidence is limited at this time, the clinical significance of this alteration remains unclear.

All of Us Research Program, National Institutes of Health
Classification: Uncertain significance for Neurofibromatosis, type 2. Last evaluated: 2024-09-23. Review status: criteria provided, single submitter. Criteria: ACMG Guidelines, 2015. Collection method: clinical testing. Allele origin: germline. Inheritance: Autosomal dominant inheritance. Observed: 1 variant allele, 1 heterozygote.
Comment: This study involves interpretation of variants in research participants for the purpose of population health screening. Participant phenotype was not available at the time of variant classification. Additional details can be found in publication PMID: 35346344, PMCID: PMC8962531

Literature cited by the submitters: PubMed 29625052 (cited by Color Diagnostics, LLC DBA Color Health); PubMed 29489754 (cited by Labcorp Genetics (formerly Invitae), Labcorp and Ambry Genetics); PubMed 28526081 (cited by Ambry Genetics).